The following is an entry in ClinVar:

NM_001077268.2(ZFYVE19):c.826+6C>T

Gene: ZFYVE19 (zinc finger FYVE-type containing 19; plus strand). Cytogenetic location: 15q15.1.
Variant type: single nucleotide variant.
Coding change: c.826+6C>T on transcript NM_001077268.2 (MANE Select); 6 bases into the intron after coding-DNA position 826, C replaced by T.
Molecular consequence: intron variant.
Genome position (GRCh38, 1-based): chr15:40,810,763, C>T. VCF-style: chr15-40810763-C-T. GRCh37 (hg19) VCF-style: chr15-41102961-C-T.
Other names: c.826+6C>T (NM_001258420.2); c.301+6C>T (NM_001258421.2); c.796+6C>T (NM_032850.5).
Identifiers: ClinVar variation 4977216 (VCV004977216.1).

ClinVar aggregate classification (germline): Likely benign (1 of 4 stars; one submission).

Conditions:
ZFYVE19-related disorder. Also called: ZFYVE19-related condition.

gnomAD v4.1: 76 of 1,555,370 alleles (0.0049%); highest among the groups gnomAD compares: Admixed American, 0.0098%; no homozygotes.

Submission:

PreventionGenetics, part of Exact Sciences
Classification: Likely benign for ZFYVE19-related condition. Last evaluated: 2026-02-08. Review status: criteria provided, single submitter. Criteria: ACMG Guidelines, 2015. Collection method: clinical testing. Allele origin: germline.
Comment: This variant is classified as likely benign based on ACMG/AMP sequence variant interpretation guidelines (Richards et al. 2015 PMID: 25741868, with internal and published modifications).